The following is an entry in ClinVar:

NM_001111.5(ADAR):c.271del (p.Arg91fs)

Gene: ADAR (adenosine deaminase RNA specific; minus strand). Cytogenetic location: 1q21.3.
Variant type: Deletion.
Coding change: c.271del on transcript NM_001111.5 (MANE Select); coding-DNA position 271, one base deleted (A; older notation c.271delA).
Protein change: p.Arg91fs; shifts the reading frame from arginine 91.
Molecular consequence: frameshift variant. On other transcripts: 5 prime UTR variant (3), intron variant (3).
Genome position (GRCh38, 1-based): chr1:154,602,371, T deleted on the plus strand (A on the coding strand, the reverse complement: ADAR is on the minus strand). VCF-style (leftmost placement, unchanged base first): chr1-154602370-CT-C. GRCh37 (hg19) VCF-style: chr1-154574846-CT-C.
Other names: c.-615del (NM_001025107.3, NM_001193495.2, NM_001365048.1); c.298del, p.Arg100fs (NM_001365045.1); c.271del, p.Arg91fs (NM_015840.4, NM_015841.4); c.-493+14del (NM_001365046.1, NM_001365049.1, NM_001365047.1); short protein forms R100fs, R91fs.
Identifiers: ClinVar variation 2941916 (VCV002941916.3), dbSNP rs2526669442, ClinGen allele CA2740090370.

ClinVar aggregate classification (germline): Pathogenic (1 of 4 stars; one submission).

Conditions:
Symmetrical dyschromatosis of extremities (DSH). Also called: RETICULATE ACROPIGMENTATION OF DOHI; SYMMETRIC DYSCHROMATOSIS OF THE EXTREMITIES; Dyschromatosis symmetrica hereditaria; DYSCHROMATOSIS SYMMETRICA HEREDITARIA 1. Identifiers: Orphanet 41, MedGen C0406775, MONDO:0007483, OMIM 127400.
Aicardi-Goutieres syndrome 6 (AGS6). Identifiers: Orphanet 51, MedGen C3539013, MONDO:0014007, OMIM 615010.

Submission:

Labcorp Genetics (formerly Invitae), Labcorp
Classification: Pathogenic for Aicardi-Goutieres syndrome 6; Symmetrical dyschromatosis of extremities. Last evaluated: 2022-11-29. Review status: criteria provided, single submitter. Criteria: Invitae Variant Classification Sherloc (09022015). Collection method: clinical testing. Allele origin: germline.
Comment: For these reasons, this variant has been classified as Pathogenic. This variant has not been reported in the literature in individuals affected with ADAR-related conditions. This variant is not present in population databases (gnomAD no frequency). This sequence change creates a premature translational stop signal (p.Arg91Glyfs*43) in the ADAR gene. It is expected to result in an absent or disrupted protein product. Loss-of-function variants in ADAR are known to be pathogenic (PMID: 22974014).

Literature cited by the submitters: PubMed 22974014.